The following is an entry in ClinVar:

NM_006206.6(PDGFRA):c.3100C>G (p.Leu1034Val)

Gene: PDGFRA (platelet derived growth factor receptor alpha; plus strand). Cytogenetic location: 4q12.
Variant type: single nucleotide variant.
Coding change: c.3100C>G on transcript NM_006206.6 (MANE Select); coding-DNA position 3100, C replaced by G.
Protein change: p.Leu1034Val; replaces leucine 1034 with valine.
Molecular consequence: missense variant.
Genome position (GRCh38, 1-based): chr4:54,290,532, C>G. VCF-style: chr4-54290532-C-G. GRCh37 (hg19) VCF-style: chr4-55156699-C-G.
Other names: c.3175C>G, p.Leu1059Val (NM_001347828.2); c.3100C>G, p.Leu1034Val (NM_001347829.2); c.3139C>G, p.Leu1047Val (NM_001347830.2); short protein forms L1034V, L1059V, L1047V.
Identifiers: ClinVar variation 958107 (VCV000958107.13), dbSNP rs1724577979, ClinGen allele CA356896378.

ClinVar aggregate classification (germline): Conflicting classifications of pathogenicity. Review status: criteria provided, conflicting classifications (1 of 4 stars). 2 submissions from 2 submitters: Uncertain significance (1); Likely benign (1). Last evaluated 2026-09-09.

Conditions:
Hereditary cancer-predisposing syndrome. Also called: Neoplastic Syndromes, Hereditary; Hereditary Cancer Syndrome; Tumor predisposition; Hereditary neoplastic syndrome. Identifiers: Orphanet 140162, MedGen C0027672, MeSH D009386, MONDO:0015356.
Gastrointestinal stromal tumor. Also called: Gastrointestinal stromal tumor, somatic; Gastrointestinal stroma tumor. Identifiers: Orphanet 44890, MedGen C0238198, MeSH D046152, MONDO:0011719, OMIM 606764, HP:0100723.

Submissions (2):

Ambry Genetics
Classification: Likely benign for Hereditary cancer-predisposing syndrome. Last evaluated: 2026-09-09. Review status: criteria provided, single submitter. Criteria: Ambry Variant Classification Scheme 2023. Collection method: clinical testing. Allele origin: germline.

Labcorp Genetics (formerly Invitae), Labcorp
Classification: Uncertain significance for Gastrointestinal stromal tumor. Last evaluated: 2024-04-29. Review status: criteria provided, single submitter. Criteria: Invitae Variant Classification Sherloc (09022015). Collection method: clinical testing. Allele origin: germline.
Comment: This sequence change replaces leucine, which is neutral and non-polar, with valine, which is neutral and non-polar, at codon 1034 of the PDGFRA protein (p.Leu1034Val). This variant is not present in population databases (gnomAD no frequency). This variant has not been reported in the literature in individuals affected with PDGFRA-related conditions. ClinVar contains an entry for this variant (Variation ID: 958107). Advanced modeling of protein sequence and biophysical properties (such as structural, functional, and spatial information, amino acid conservation, physicochemical variation, residue mobility, and thermodynamic stability) performed at Invitae indicates that this missense variant is not expected to disrupt PDGFRA protein function with a negative predictive value of 80%. In summary, the available evidence is currently insufficient to determine the role of this variant in disease. Therefore, it has been classified as a Variant of Uncertain Significance.